The following is an entry in ClinVar:

ClinVar aggregate classification (germline): Likely benign (1 of 4 stars; one submission).

Conditions:
SEMA3C-related disorder. Also called: SEMA3C-related condition.

gnomAD v4.1: 11 of 1,613,882 alleles (0.00068%); highest among the groups gnomAD compares: Non-Finnish European, 0.00093%; no homozygotes.

Submission:

PreventionGenetics, part of Exact Sciences
Classification: Likely benign for SEMA3C-related condition. Last evaluated: 2025-11-12. Review status: criteria provided, single submitter. Criteria: ACMG Guidelines, 2015. Collection method: clinical testing. Allele origin: germline.
Comment: This variant is classified as likely benign based on ACMG/AMP sequence variant interpretation guidelines (Richards et al. 2015 PMID: 25741868, with internal and published modifications).

NM_006379.5(SEMA3C):c.2181G>A (p.Gly727=)

Gene: SEMA3C (semaphorin 3C; minus strand). Cytogenetic location: 7q21.11.
Variant type: single nucleotide variant.
Coding change: c.2181G>A on transcript NM_006379.5 (MANE Select); coding-DNA position 2181, G replaced by A.
Protein change: p.Gly727=; no amino-acid change (glycine 727 retained).
Molecular consequence: synonymous variant.
Genome position (GRCh38, 1-based): chr7:80,744,969, C>T on the plus strand (G>A on the coding strand, the complement: SEMA3C is on the minus strand). VCF-style: chr7-80744969-C-T. GRCh37 (hg19) VCF-style: chr7-80374285-C-T.
Other names: c.2235G>A, p.Gly745= (NM_001350120.2); c.2007G>A, p.Gly669= (NM_001350121.2).
Identifiers: ClinVar variation 4986745 (VCV004986745.1).